The following is an entry in ClinVar:

NM_001042492.3(NF1):c.1929_1932del (p.Met643fs)

Gene: NF1 (neurofibromin 1; plus strand). Cytogenetic location: 17q11.2.
Variant type: Deletion.
Coding change: c.1929_1932del on transcript NM_001042492.3 (MANE Select); coding-DNA positions 1929 to 1932, 4 bases deleted (GTCC; older notation c.1929_1932delGTCC).
Protein change: p.Met643fs; shifts the reading frame from methionine 643.
Molecular consequence: frameshift variant.
Genome position (GRCh38, 1-based): chr17:31,225,178-31,225,181, GTCC deleted. VCF-style (leftmost placement, unchanged base first): chr17-31225177-TGTCC-T. GRCh37 (hg19) VCF-style: chr17-29552195-TGTCC-T.
Other names: c.1929_1932delGTCC (NM_000267.3); c.1929_1932delGTCC, p.Met643Ilefs (NM_000267.4); short protein forms M643fs.
Identifiers: ClinVar variation 1782807 (VCV001782807.2), dbSNP rs2508141782, ClinGen allele CA2580092908.

ClinVar aggregate classification (germline): Pathogenic (1 of 4 stars; one submission).

Conditions:
Hereditary cancer-predisposing syndrome. Also called: Neoplastic Syndromes, Hereditary; Tumor predisposition; Hereditary Cancer Syndrome; Hereditary neoplastic syndrome. Identifiers: Orphanet 140162, MedGen C0027672, MeSH D009386, MONDO:0015356.
Cardiovascular phenotype. Identifiers: MedGen CN230736.

Submission:

Ambry Genetics
Classification: Pathogenic for Cardiovascular phenotype; Hereditary cancer-predisposing syndrome. Last evaluated: 2021-09-07. Review status: criteria provided, single submitter. Criteria: Ambry Variant Classification Scheme 2023. Collection method: clinical testing. Allele origin: germline.
Comment: The c.1929_1932delGTCC pathogenic mutation, located in coding exon 17 of the NF1 gene, results from a deletion of 4 nucleotides at nucleotide positions 1929 to 1932, causing a translational frameshift with a predicted alternate stop codon (p.M643Ifs*44). This variant is considered to be rare based on population cohorts in the Genome Aggregation Database (gnomAD). This alteration is expected to result in loss of function by premature protein truncation or nonsense-mediated mRNA decay. As such, this alteration is interpreted as a disease-causing mutation.